The following is an entry in ClinVar:

ClinVar aggregate classification (germline): Uncertain significance (1 of 4 stars; one submission).

Conditions:
Inborn genetic diseases. Identifiers: MedGen C0950123, MeSH D030342.

Submission:

Ambry Genetics
Classification: Uncertain significance for Inborn genetic diseases. Last evaluated: 2025-05-08. Review status: criteria provided, single submitter. Criteria: Ambry Variant Classification Scheme 2023. Collection method: clinical testing. Allele origin: germline.
Comment: The p.T1047K variant (also known as c.3140C>A), located in coding exon 1 of the SAMD9 gene, results from a C to A substitution at nucleotide position 3140. The threonine at codon 1047 is replaced by lysine, an amino acid with similar properties. This amino acid position is conserved. In addition, this alteration is predicted to be tolerated by in silico analysis. Based on the available evidence, the clinical significance of this variant remains unclear.

NM_017654.4(SAMD9):c.3140C>A (p.Thr1047Lys)

Gene: SAMD9 (sterile alpha motif domain containing 9; minus strand). Cytogenetic location: 7q21.2.
Variant type: single nucleotide variant.
Coding change: c.3140C>A on transcript NM_017654.4 (MANE Select); coding-DNA position 3140, C replaced by A.
Protein change: p.Thr1047Lys; replaces threonine 1047 with lysine.
Molecular consequence: missense variant.
Genome position (GRCh38, 1-based): chr7:93,102,958, G>T on the plus strand (C>A on the coding strand, the complement: SAMD9 is on the minus strand). VCF-style: chr7-93102958-G-T. GRCh37 (hg19) VCF-style: chr7-92732271-G-T.
Other names: c.3140C>A, p.Thr1047Lys (NM_001193307.2); short protein forms T1047K.
Identifiers: ClinVar variation 3949614 (VCV003949614.1).